The following is an entry in ClinVar:

NM_000091.5(COL4A3):c.2489-8G>A

Genes: COL4A3 (collagen type IV alpha 3 chain; plus strand), MFF-DT (MFF divergent transcript; minus strand). Cytogenetic location: 2q36.3.
Variant type: single nucleotide variant.
Coding change: c.2489-8G>A on transcript NM_000091.5 (MANE Select); 8 bases into the intron before coding-DNA position 2489, G replaced by A.
Molecular consequence: intron variant.
Genome position (GRCh38, 1-based): chr2:227,282,357, G>A. VCF-style: chr2-227282357-G-A. GRCh37 (hg19) VCF-style: chr2-228147073-G-A.
Identifiers: ClinVar variation 334767 (VCV000334767.30), dbSNP rs201846272, ClinGen allele CA2146948.

ClinVar aggregate classification (germline): Conflicting classifications of pathogenicity. Review status: criteria provided, conflicting classifications (1 of 4 stars). 7 submissions from 7 submitters: Uncertain significance (2); Likely benign (4). 1 of the submissions does not count toward it. Last evaluated 2026-01-24.

Conditions:
Autosomal dominant Alport syndrome (ATS3A). Also called: Alport syndrome dominant type; Renal failure and sensorineural hearing loss; ALPORT SYNDROME 3A, AUTOSOMAL DOMINANT. Identifiers: Orphanet 63, Orphanet 88918, MedGen C5882663, MONDO:0007086, OMIM 104200.
Kidney disorder. Also called: Kidney disease; Kidney Diseases; renal disease; renal disorder; Nephropathy. Identifiers: MedGen C0022658, MONDO:0005240, HP:0000112.
Alport syndrome. Also called: Hemorrhagic familial nephritis; Hemorrhagic hereditary nephritis; Congenital hereditary hematuria. Identifiers: Orphanet 63, MedGen C1567741, MONDO:0018965.

Allele frequency attached by ClinVar (database versions not stated): 1000 Genomes Project 30x 0.00016; 1000 Genomes Project 0.00020; ExAC 0.00026; gnomAD exomes 0.00038 and 0.00094; gnomAD 0.00057 and 0.00061; TOPMed 0.00059; ESP Exome Variant Server 0.00085.
gnomAD v4.1: 1,435 of 1,607,178 alleles (0.089%); highest among the groups gnomAD compares: Non-Finnish European, 0.11%; 1 homozygote.

Submissions (7):

Labcorp Genetics (formerly Invitae), Labcorp
Classification: Likely benign. Last evaluated: 2026-01-24. Review status: criteria provided, single submitter. Criteria: Invitae Variant Classification Sherloc (09022015). Collection method: clinical testing. Allele origin: germline.

CeGaT Center for Human Genetics Tuebingen
Classification: Likely benign. Last evaluated: 2025-07-01. Review status: criteria provided, single submitter. Criteria: CeGaT Center For Human Genetics Tuebingen Variant Classification Criteria Version 2. Collection method: clinical testing. Allele origin: germline. Affected: yes. Observed: 1 variant allele.
Comment: COL4A3: BP4

Blueprint Genetics
Classification: Likely benign. Last evaluated: 2024-11-26. Review status: criteria provided, single submitter. Criteria: ACMG Guidelines, 2015. Collection method: clinical testing. Allele origin: germline.

GeneDx
Classification: Likely benign. Last evaluated: 2021-04-02. Review status: criteria provided, single submitter. Criteria: GeneDx Variant Classification Process June 2021. Collection method: clinical testing. Allele origin: germline. Affected: yes.

Illumina Laboratory Services, Illumina
Classification: Uncertain significance for Alport syndrome. Last evaluated: 2018-01-13. Review status: criteria provided, single submitter. Criteria: ICSL Variant Classification Criteria 13 December 2019. Collection method: clinical testing. Allele origin: germline.

Genome Diagnostics Laboratory, The Hospital for Sick Children
Classification: Uncertain significance for Kidney disorder. Last evaluated: 2017-01-23. Review status: criteria provided, single submitter. Criteria: ACMG Guidelines, 2015. Collection method: clinical testing. Allele origin: germline.

Natera, Inc.
Classification: Uncertain significance for Autosomal dominant Alport syndrome. Last evaluated: 2020-06-02. Review status: no assertion criteria provided. Collection method: clinical testing. Allele origin: germline. Not counted in ClinVar's aggregate classification.